The following continues an entry in ClinVar:

NM_000540.3(RYR1):c.4711A>G (p.Ile1571Val)

Gene: RYR1. ClinVar aggregate classification (germline): Likely benign. Likely benign (1).

Submissions 9 to 28 of 28:

Blueprint Genetics
Classification: Uncertain significance. Last evaluated: 2024-10-25. Review status: criteria provided, single submitter. Criteria: ACMG Guidelines, 2015. Collection method: clinical testing. Allele origin: germline. Not counted in ClinVar's aggregate classification.

All of Us Research Program, National Institutes of Health
Classification: Likely benign for Malignant hyperthermia, susceptibility to, 1. Last evaluated: 2024-09-27. Review status: criteria provided, single submitter. Criteria: ACMG Guidelines, 2015. Collection method: clinical testing. Allele origin: germline. Inheritance: Autosomal dominant inheritance. Observed: 402 variant alleles, 402 heterozygotes. Not counted in ClinVar's aggregate classification.
Comment: This study involves interpretation of variants in research participants for the purpose of population health screening. Participant phenotype was not available at the time of variant classification. Additional details can be found in publication PMID: 35346344, PMCID: PMC8962531

Molecular Genetics, Royal Melbourne Hospital
Classification: Uncertain significance for Anterior segment dysgenesis 7. Last evaluated: 2023-04-11. Review status: criteria provided, single submitter. Criteria: ACMG Guidelines, 2015. Collection method: clinical testing. Allele origin: germline. Not counted in ClinVar's aggregate classification.
Comment: This sequence change in RYR1 is predicted to replace isoleucine with valine at codon 1571, p.(Ile1571Val). The isoleucine residue is moderately conserved (100 vertebrates, UCSC), and is located in exon 33. There is a small physicochemical difference between isoleucine and valine. The highest population minor allele frequency in the population database gnomAD v2.1 is 0.14% (114/83,130 alleles) in the European (non-Finnish) population. This variant is almost always reported in a haplotype with two other RYR1 missense variants, p.[(Ile1571Val);(Arg3366His);(Tyr3933Cys)]. The haplotype has been detected in at least 19 individuals with a phenotype consistent with RYR1-related myopathy with/without malignant hyperthermia susceptibility (MHS). Of those individuals, 14 were compound heterozygous for the variant and a pathogenic or likely pathogenic variant and 8 of those were confirmed in trans by parental/family testing (PMID: 22473935, 23394784, 24950660, 25958340, 25960145, 30611313, 32236737, 35428369). The haplotype segregates with myopathy in a recessive mode of inheritance in at least one family, and there is conflicting evidence for segregation with MHS (PMID: 22473935, 23394784, 25958340). There is limited evidence that the monoallelic haplotype is associated with RYR1-related disease, it has been detected in individuals that unaffected, with MHS, and symptomatic hyperCKaemia (PMID: 25958340, 28259615, 31517061, 32236737). The variant has been detected alone in at least 2 individuals with muscle-related phenotypes, one was compound heterozygous with a pathogenic variant (PMID: 29701772, 35428369). Multiple lines of computational evidence have conflicting predictions for the missense substitution (2/5 algorithms predict deleterious). Based on the classification scheme RMH Modified ACMG Guidelines v1.5.1, this variant is classified as a VARIANT OF UNCERTAIN SIGNIFICANCE. Following criteria are met: PM3_Supporting. The haplotype is classified as LIKELY PATHOGENIC. Following criteria are met: PM3_VeryStrong, PP1.

Color Diagnostics, LLC DBA Color Health
Classification: Likely benign for Malignant hyperthermia, susceptibility to, 1. Last evaluated: 2023-03-01. Review status: criteria provided, single submitter. Criteria: ACMG Guidelines, 2015. Collection method: clinical testing. Allele origin: germline. Not counted in ClinVar's aggregate classification.

MGZ Medical Genetics Center
Classification: Uncertain significance for Malignant hyperthermia, susceptibility to, 1. Last evaluated: 2022-07-27. Review status: criteria provided, single submitter. Criteria: ACMG Guidelines, 2015. Collection method: clinical testing. Allele origin: germline. Affected: yes. Observed: 2 variant alleles. Not counted in ClinVar's aggregate classification.
Comment: ACMG criteria applied: PP3

Laboratory of Medical Genetics, National & Kapodistrian University of Athens
Classification: Likely pathogenic for Central core myopathy. Last evaluated: 2021-10-01. Review status: criteria provided, single submitter. Criteria: ACMG Guidelines, 2015. Collection method: clinical testing. Allele origin: unknown. Affected: yes. Not counted in ClinVar's aggregate classification.
Comment: PM1, PM2, PM3, PP2, PP4, PP5

GeneDx
Classification: Likely benign. Last evaluated: 2021-03-25. Review status: criteria provided, single submitter. Criteria: GeneDx Variant Classification Process June 2021. Collection method: clinical testing. Allele origin: germline. Affected: yes. Not counted in ClinVar's aggregate classification.
Comment: In silico analysis supports that this missense variant does not alter protein structure/function; This variant is associated with the following publications: (PMID: 30611313, 28259615, 28269792, 20681998, 25214167, 25958340, 23919265, 25735680, 24950660, 25960145, 25637381, 24055113, 22473935, 26332594, 31517061)

Victorian Clinical Genetics Services, Murdoch Childrens Research Institute
Classification: Uncertain significance for RYR1-related myopathy. Last evaluated: 2020-10-19. Review status: criteria provided, single submitter. Criteria: ACMG Guidelines, 2015. Collection method: clinical testing. Allele origin: germline. Not counted in ClinVar's aggregate classification.
Comment: Based on the classification scheme VCGS_Germline_v1.1.1, this variant is classified as a VUS. Following criteria are met: 0103 - Both loss- and gain-of-function are known mechanisms of disease for this gene (PMID: 23919265) (N) 0108 - This gene is known to be associated with both recessive and dominant disease (OMIM) (N) 0112 - Variants in this gene are known to have reduced penetrance (PMID: 31206373). (N) 0200 - Variant is predicted to result in a missense amino acid change from isoleucine to valine (exon 33). (N) 0251 - Variant is heterozygous. (N) 0304 - Variant is present in gnomAD <0.01 for a recessive condition (170 heterozygotes, 0 homozygotes). (P) 0502 - Missense variant with conflicting in silico predictions and/or uninformative conservation. (N) 0604 - Variant is not located in an established domain, motif, hotspot or informative constraint region. (N) 0705 - No comparable variants have previous evidence for pathogenicity. (N) 0808 - Previous reports of pathogenicity are conflicting. This variant has been reported as VUS (7x), likely benign (1x) and benign (1x) in ClinVar. It has also previously been reported in cis with two additional RYR1 variants (p.(Tyr3933Cys) and p.(Arg3366His)) in MH susceptible individuals (PMID: 25958340). In addition, these three RYR1 variants have been reported in trans with the pathogenic p.(Val4849Ile) variant in patients with CCD, multiminicore disease, as well as in a patient with core myopathy and MH susceptibility (PMID: 25960145). (N) 0905 - No segregation evidence has been identified for this variant. (N) 1007 - No published functional evidence has been identified for this variant. (N) 1208 - Inheritance information for this variant is not currently available. (N) Legend: (P) - Pathogenic, (N) - Neutral, (B) - Benign

Laboratorio de Genetica e Diagnostico Molecular, Hospital Israelita Albert Einstein
Classification: Uncertain significance. Last evaluated: 2020-07-11. Review status: criteria provided, single submitter. Criteria: ACMG Guidelines, 2015. Collection method: clinical testing. Allele origin: germline. Affected: yes. Not counted in ClinVar's aggregate classification.
Comment: ACMG classification criteria: PS4, PM3

Mayo Clinic Laboratories, Mayo Clinic
Classification: Uncertain significance. Last evaluated: 2020-02-12. Review status: criteria provided, single submitter. Criteria: ACMG Guidelines, 2015. Collection method: clinical testing. Allele origin: germline. Observed: 1 variant allele. Not counted in ClinVar's aggregate classification.

Mendelics
Classification: Benign for Malignant hyperthermia, susceptibility to, 1. Last evaluated: 2019-05-28. Review status: criteria provided, single submitter. Criteria: Mendelics Assertion Criteria 2017. Collection method: clinical testing. Allele origin: unknown. Not counted in ClinVar's aggregate classification.

Fulgent Genetics
Classification: Uncertain significance for Central core myopathy; Malignant hyperthermia, susceptibility to, 1; Congenital myopathy 4A, autosomal dominant; Congenital multicore myopathy with external ophthalmoplegia. Last evaluated: 2018-10-31. Review status: criteria provided, single submitter. Criteria: ACMG Guidelines, 2015. Collection method: clinical testing. Allele origin: unknown. Not counted in ClinVar's aggregate classification.

Eurofins Ntd Llc (ga)
Classification: Uncertain significance. Last evaluated: 2018-02-15. Review status: criteria provided, single submitter. Criteria: EGL ClinVar v180209 classification definitions. Collection method: clinical testing. Allele origin: germline. Observed: 7 variant alleles, 7 heterozygotes. Not counted in ClinVar's aggregate classification.

PreventionGenetics, part of Exact Sciences
Classification: Uncertain significance. Last evaluated: 2016-08-15. Review status: criteria provided, single submitter. Criteria: ACMG Guidelines, 2015. Collection method: clinical testing. Allele origin: germline. Not counted in ClinVar's aggregate classification.

Laboratory for Molecular Medicine, Mass General Brigham Personalized Medicine
Classification: Uncertain significance. Last evaluated: 2016-04-25. Review status: criteria provided, single submitter. Criteria: LMM Criteria. Collection method: clinical testing. Allele origin: germline. Not counted in ClinVar's aggregate classification.
Comment: Variant identified in a genome or exome case(s) and assessed due to predicted null impact of the variant or pathogenic assertions in the literature or databases. Disclaimer: This variant has not undergone full assessment. The following are preliminary notes: 2 papers describe as LB; ExAC: 0.5% (3/608) Latino chromosomes; ClinVar: 1 LB, 1 VUS; ML: Frequent for disease. 0.2% Eur

Genetic Services Laboratory, University of Chicago
Classification: Uncertain significance. Last evaluated: 2014-04-29. Review status: criteria provided, single submitter. Criteria: ACMG Guidelines, 2007. Collection method: clinical testing. Allele origin: germline. Inheritance: Autosomal unknown. Not counted in ClinVar's aggregate classification.

Breakthrough Genomics
Classification: Likely benign. Review status: criteria provided, single submitter. Criteria: ACMG Guidelines, 2015. Collection method: not provided. Allele origin: germline. Inheritance: Autosomal recessive inheritance. Affected: yes. Not counted in ClinVar's aggregate classification.

Zotz-Klimas Genetics Lab, MVZ Zotz Klimas
Classification: Uncertain significance for Central core myopathy. Last evaluated: 2023-10-09. Review status: no assertion criteria provided. Collection method: clinical testing. Allele origin: germline. Affected: yes. Not counted in ClinVar's aggregate classification.

Undiagnosed Diseases Network, NIH
Classification: Uncertain significance for RYR1-related condition. Last evaluated: 2023-02-28. Review status: no assertion criteria provided. Collection method: clinical testing. Allele origin: maternal. Affected: yes. Observed: 1 variant allele, 1 compound heterozygote. Study: Undiagnosed Diseases Network (NIH), UDN. Not counted in ClinVar's aggregate classification.

CSER _CC_NCGL, University of Washington
Classification: Likely benign for Malignant hyperthermia. Last evaluated: 2014-06-01. Review status: no assertion criteria provided. Collection method: research. Allele origin: germline. Inheritance: Autosomal dominant inheritance. Study: ESP 6500 variant annotation. Not counted in ClinVar's aggregate classification.
Comment: Variants classified for the Actionable exomic incidental findings in 6503 participants: challenges of variant classification manuscript

Literature cited by the submitters: PubMed 25958340 (cited by 5 submitters); PubMed 25735680 (cited by 3 submitters); PubMed 25214167 (cited by 3 submitters); PubMed 24950660 (cited by 4 submitters); PubMed 25960145 (cited by 5 submitters); PubMed 25658027 (cited by 3 submitters); PubMed 22473935 (cited by 3 submitters); PubMed 20681998 (cited by Labcorp Genetics (formerly Invitae), Labcorp and Athena Diagnostics); PubMed 28259615 (cited by Labcorp Genetics (formerly Invitae), Labcorp and Molecular Genetics, Royal Melbourne Hospital); PubMed 30611313 (cited by 4 submitters); PubMed 36628841 (cited by Women's Health and Genetics/Laboratory Corporation of America, LabCorp); PubMed 37643885 (cited by Women's Health and Genetics/Laboratory Corporation of America, LabCorp); PubMed 35948506 (cited by Athena Diagnostics); PubMed 33767344 (cited by Athena Diagnostics); PubMed 26019235 (cited by Athena Diagnostics); PubMed 34008892 (cited by Athena Diagnostics and Laboratory of Medical Genetics, National & Kapodistrian University of Athens); PubMed 24055113 (cited by Athena Diagnostics); PubMed 25637381 (cited by Athena Diagnostics); PubMed 26332594 (cited by Athena Diagnostics); PubMed 30932294 (cited by Athena Diagnostics); PubMed 31517061 (cited by Athena Diagnostics and Molecular Genetics, Royal Melbourne Hospital); PubMed 33726816 (cited by Athena Diagnostics); PubMed 35428369 (cited by Athena Diagnostics and Molecular Genetics, Royal Melbourne Hospital); PubMed 23394784 (cited by Molecular Genetics, Royal Melbourne Hospital); PubMed 29701772 (cited by Molecular Genetics, Royal Melbourne Hospital); PubMed 32236737 (cited by Molecular Genetics, Royal Melbourne Hospital); PubMed 23919265 (cited by Victorian Clinical Genetics Services, Murdoch Childrens Research Institute); PubMed 31206373 (cited by Victorian Clinical Genetics Services, Murdoch Childrens Research Institute).